The following is an entry in ClinVar:

NM_000191.3(HMGCL):c.319del (p.Thr107fs)

Gene: HMGCL (3-hydroxy-3-methylglutaryl-CoA lyase; minus strand). Cytogenetic location: 1p36.11.
Variant type: Deletion.
Coding change: c.319del on transcript NM_000191.3 (MANE Select); coding-DNA position 319, one base deleted (A; older notation c.319delA).
Protein change: p.Thr107fs; shifts the reading frame from threonine 107.
Molecular consequence: frameshift variant.
Genome position (GRCh38, 1-based): chr1:23,816,704, T deleted on the plus strand (A on the coding strand, the reverse complement: HMGCL is on the minus strand). VCF-style (leftmost placement, unchanged base first): chr1-23816703-GT-G. GRCh37 (hg19) VCF-style: chr1-24143193-GT-G.
Other names: c.319del, p.Thr107fs (NM_001166059.2); short protein forms T107fs.
Identifiers: ClinVar variation 2738582 (VCV002738582.3), dbSNP rs2521455305, ClinGen allele CA2697552258.

ClinVar aggregate classification (germline): Pathogenic (1 of 4 stars; one submission).

Conditions:
Deficiency of hydroxymethylglutaryl-CoA lyase (HMGCLD). Also called: HMGCL DEFICIENCY; HYDROXYMETHYLGLUTARIC ACIDURIA; HMG-CoA LYASE DEFICIENCY; Defect in leucine metabolism; 3-hydroxy-3-methylglutaric aciduria. Identifiers: Orphanet 20, MedGen C1533587, MONDO:0009520, OMIM 246450.

Submission:

Labcorp Genetics (formerly Invitae), Labcorp
Classification: Pathogenic for Deficiency of hydroxymethylglutaryl-CoA lyase. Last evaluated: 2023-07-17. Review status: criteria provided, single submitter. Criteria: Invitae Variant Classification Sherloc (09022015). Collection method: clinical testing. Allele origin: germline.
Comment: This sequence change creates a premature translational stop signal (p.Thr107Profs*4) in the HMGCL gene. It is expected to result in an absent or disrupted protein product. Loss-of-function variants in HMGCL are known to be pathogenic (PMID: 9817922, 17692550, 23465862). This variant is not present in population databases (gnomAD no frequency). This variant has not been reported in the literature in individuals affected with HMGCL-related conditions. For these reasons, this variant has been classified as Pathogenic.

Literature cited by the submitters: PubMed 9817922; PubMed 17692550; PubMed 23465862.